The following is an entry in ClinVar:

ClinVar aggregate classification (germline): Pathogenic (1 of 4 stars; one submission).

Conditions:
Severe combined immunodeficiency due to IKK2 deficiency. Also called: IMMUNODEFICIENCY 15B; Immunodeficiency 15. Identifiers: Orphanet 397787, MedGen C4747743, MONDO:0014267, OMIM 615592.

Submission:

Labcorp Genetics (formerly Invitae), Labcorp
Classification: Pathogenic for Severe combined immunodeficiency due to IKK2 deficiency. Last evaluated: 2023-11-17. Review status: criteria provided, single submitter. Criteria: Invitae Variant Classification Sherloc (09022015). Collection method: clinical testing. Allele origin: germline.
Comment: This sequence change creates a premature translational stop signal (p.Gln566*) in the IKBKB gene. It is expected to result in an absent or disrupted protein product. Loss-of-function variants in IKBKB are known to be pathogenic (PMID: 24369075, 24679846). This variant is not present in population databases (gnomAD no frequency). This variant has not been reported in the literature in individuals affected with IKBKB-related conditions. Algorithms developed to predict the effect of sequence changes on RNA splicing suggest that this variant may disrupt the consensus splice site. For these reasons, this variant has been classified as Pathogenic.

Literature cited by the submitters: PubMed 24369075; PubMed 24679846.

NM_001556.3(IKBKB):c.1696C>T (p.Gln566Ter)

Gene: IKBKB (inhibitor of nuclear factor kappa B kinase subunit beta; plus strand). Cytogenetic location: 8p11.21.
Variant type: single nucleotide variant.
Coding change: c.1696C>T on transcript NM_001556.3 (MANE Select); coding-DNA position 1696, C replaced by T.
Protein change: p.Gln566Ter; replaces glutamine 566 with a stop codon.
Molecular consequence: nonsense. On other transcripts: non-coding transcript variant (3).
Genome position (GRCh38, 1-based): chr8:42,321,903, C>T. VCF-style: chr8-42321903-C-T. GRCh37 (hg19) VCF-style: chr8-42179421-C-T.
Other names: c.1504C>T, p.Gln502Ter (NM_001190720.3); c.1519C>T, p.Gln507Ter (NM_001242778.2); short protein forms Q502*, Q566*, Q507*.
Identifiers: ClinVar variation 2696833 (VCV002696833.3), dbSNP rs2487731363, ClinGen allele CA371091859.